The following is an entry in ClinVar:

ClinVar aggregate classification (germline): Uncertain significance. Review status: criteria provided, multiple submitters, no conflicts (2 of 4 stars). 5 submissions from 5 submitters: Uncertain significance (4). 1 of the submissions does not count toward it. Last evaluated 2025-08-01.

Conditions:
Inborn genetic diseases. Identifiers: MedGen C0950123, MeSH D030342.
TH-deficient dopa-responsive dystonia. Also called: Tyrosine Hydroxylase-Deficient Dopa-Responsive Dystonia; Segawa syndrome, autosomal recessive; DYT-TH. Identifiers: Orphanet 101150, MedGen C2673535, MONDO:0011551, OMIM 605407.

Allele frequency attached by ClinVar (database versions not stated): ExAC 0.00006; TOPMed 0.00006; gnomAD exomes 0.00007; gnomAD 0.00008; ESP Exome Variant Server 0.00015.

Submissions (5):

CeGaT Center for Human Genetics Tuebingen
Classification: Uncertain significance. Last evaluated: 2025-08-01. Review status: criteria provided, single submitter. Criteria: CeGaT Center For Human Genetics Tuebingen Variant Classification Criteria Version 2. Collection method: clinical testing. Allele origin: germline. Affected: yes. Observed: 1 variant allele.
Comment: TH: PM2

Blueprint Genetics
Classification: Uncertain significance. Last evaluated: 2024-08-12. Review status: criteria provided, single submitter. Criteria: ACMG Guidelines, 2015. Collection method: clinical testing. Allele origin: germline.

Ambry Genetics
Classification: Uncertain significance for Inborn genetic diseases. Last evaluated: 2023-01-10. Review status: criteria provided, single submitter. Criteria: Ambry Variant Classification Scheme 2023. Collection method: clinical testing. Allele origin: germline.

Labcorp Genetics (formerly Invitae), Labcorp
Classification: Uncertain significance for TH-deficient dopa-responsive dystonia. Last evaluated: 2022-08-21. Review status: criteria provided, single submitter. Criteria: Invitae Variant Classification Sherloc (09022015). Collection method: clinical testing. Allele origin: germline.
Comment: This sequence change replaces alanine, which is neutral and non-polar, with valine, which is neutral and non-polar, at codon 523 of the TH protein (p.Ala523Val). This variant is present in population databases (rs201219944, gnomAD 0.02%). This variant has not been reported in the literature in individuals affected with TH-related conditions. ClinVar contains an entry for this variant (Variation ID: 646204). Algorithms developed to predict the effect of missense changes on protein structure and function (SIFT, PolyPhen-2, Align-GVGD) all suggest that this variant is likely to be disruptive. In summary, the available evidence is currently insufficient to determine the role of this variant in disease. Therefore, it has been classified as a Variant of Uncertain Significance.

Natera, Inc.
Classification: Uncertain significance for Autosomal recessive Segawa syndrome. Last evaluated: 2020-03-10. Review status: no assertion criteria provided. Collection method: clinical testing. Allele origin: germline. Not counted in ClinVar's aggregate classification.

NM_000360.4(TH):c.1475C>T (p.Ala492Val)

Gene: TH (tyrosine hydroxylase; minus strand). Cytogenetic location: 11p15.5.
Variant type: single nucleotide variant.
Coding change: c.1475C>T on transcript NM_000360.4 (MANE Select); coding-DNA position 1475, C replaced by T.
Protein change: p.Ala492Val; replaces alanine 492 with valine.
Molecular consequence: missense variant.
Genome position (GRCh38, 1-based): chr11:2,164,252, G>A on the plus strand (C>T on the coding strand, the complement: TH is on the minus strand). VCF-style: chr11-2164252-G-A. GRCh37 (hg19) VCF-style: chr11-2185482-G-A.
Other names: c.1568C>T, p.Ala523Val (NM_199292.3); c.1556C>T, p.Ala519Val (NM_199293.3); short protein forms A523V, A492V, A519V.
Identifiers: ClinVar variation 646204 (VCV000646204.15), dbSNP rs201219944, ClinGen allele CA5818235.